The following is an entry in ClinVar:

ClinVar aggregate classification (germline): Likely benign (1 of 4 stars; one submission).

Submission:

CeGaT Center for Human Genetics Tuebingen
Classification: Likely benign. Last evaluated: 2026-09-01. Review status: criteria provided, single submitter. Criteria: CeGaT Center For Human Genetics Tuebingen Variant Classification Criteria Version 2. Collection method: clinical testing. Allele origin: germline. Affected: yes. Observed: 10 variant alleles.
Comment: SOX6: BS1

NM_001367873.1(SOX6):c.1732+4769GT[18]

Gene: SOX6 (SRY-box transcription factor 6; minus strand). Cytogenetic location: 11p15.2.
Variant type: Microsatellite.
Coding change: c.1732+4769GT[18] on transcript NM_001367873.1 (MANE Select); 18 copies in a row of the 2-base unit GT starting at c.1732+4769; the reference has 24 copies in a row; six copies, 12 bases deleted.
Molecular consequence: intron variant.
Genome position (GRCh38, 1-based): chr11:16,010,126-16,010,137, ACACACACACAC deleted on the plus strand (GTGTGTGTGTGT on the coding strand, the reverse complement: SOX6 is on the minus strand); deleting any 12 consecutive bases within chr11:16,010,126-16,010,174 gives the same sequence; the position shown is the placement nearest the transcript's 3' end. VCF-style (leftmost placement, unchanged base first): chr11-16010125-TACACACACACAC-T. GRCh37 (hg19) VCF-style: chr11-16031671-TACACACACACAC-T.
Other names: c.1609+4769GT[18] (NM_001367872.1); c.1732+4769GT[18] (NM_033326.3, NM_001145819.2); c.1651+4769GT[18] (NM_001145811.2, NM_017508.3).
Identifiers: ClinVar variation 4821116 (VCV004821116.4).